The following is an entry in ClinVar:

NM_080605.4(B3GALT6):c.485G>A (p.Arg162Gln)

Gene: B3GALT6 (beta-1,3-galactosyltransferase 6; plus strand). Cytogenetic location: 1p36.33.
Variant type: single nucleotide variant.
Coding change: c.485G>A on transcript NM_080605.4 (MANE Select); coding-DNA position 485, G replaced by A.
Protein change: p.Arg162Gln; replaces arginine 162 with glutamine.
Molecular consequence: missense variant.
Genome position (GRCh38, 1-based): chr1:1,232,763, G>A. VCF-style: chr1-1232763-G-A. GRCh37 (hg19) VCF-style: chr1-1168143-G-A.
Other names: short protein forms R162Q.
Identifiers: ClinVar variation 732174 (VCV000732174.42), dbSNP rs376811907, ClinGen allele CA513357.

ClinVar aggregate classification (germline): Conflicting classifications of pathogenicity. Review status: criteria provided, conflicting classifications (1 of 4 stars). 5 submissions from 5 submitters: Uncertain significance (1); Benign (1); Likely benign (3). Last evaluated 2026-04-21.

Conditions:
Ehlers-Danlos syndrome, spondylodysplastic type, 2 (EDSSPD2). Also called: Ehlers-Danlos syndrome, progeroid type, 2. Identifiers: Orphanet 536467, Orphanet 75496, MedGen C3809210, MONDO:0014139, OMIM 615349.
Spondyloepimetaphyseal dysplasia with joint laxity (SEMDJL). Identifiers: MedGen C0432243, MONDO:0019675.
Inborn genetic diseases. Identifiers: MedGen C0950123, MeSH D030342.

Allele frequency attached by ClinVar (database versions not stated): ESP Exome Variant Server 0.00024; gnomAD 0.00043 and 0.00045; TOPMed 0.00043; ExAC 0.00048; gnomAD exomes 0.00068.

Submissions (5):

Women's Health and Genetics/Laboratory Corporation of America, LabCorp
Classification: Likely benign. Last evaluated: 2026-04-21. Review status: criteria provided, single submitter. Criteria: LabCorp Variant Classification Summary - May 2015. Collection method: clinical testing. Allele origin: germline.
Comment: Variant summary: B3GALT6 c.485G>A (p.Arg162Gln) results in a conservative amino acid change in the encoded protein sequence. Algorithms developed to predict the effect of missense changes on protein structure and function are either unavailable or do not agree on the potential impact of this missense change. The variant allele was found at a frequency of 0.00068 in 121288 control chromosomes, predominantly at a frequency of 0.012 within the Ashkenazi Jewish subpopulation in the gnomAD database. The observed variant frequency within Ashkenazi Jewish control individuals in the gnomAD database exceeds the estimated maximal expected allele frequency for disease-causing variants in B3GALT6. To our knowledge, no occurrence of c.485G>A in individuals affected with B3GALT6-related conditions and no experimental evidence demonstrating its impact on protein function have been reported. ClinVar contains an entry for this variant (Variation ID: 732174). Based on the evidence outlined above, the variant was classified as likely benign.

Labcorp Genetics (formerly Invitae), Labcorp
Classification: Benign for Ehlers-Danlos syndrome, spondylodysplastic type, 2; Spondyloepimetaphyseal dysplasia with joint laxity. Last evaluated: 2026-01-29. Review status: criteria provided, single submitter. Criteria: Invitae Variant Classification Sherloc (09022015). Collection method: clinical testing. Allele origin: germline.

CeGaT Center for Human Genetics Tuebingen
Classification: Likely benign. Last evaluated: 2026-01-01. Review status: criteria provided, single submitter. Criteria: CeGaT Center For Human Genetics Tuebingen Variant Classification Criteria Version 2. Collection method: clinical testing. Allele origin: germline. Affected: yes. Observed: 2 variant alleles.
Comment: B3GALT6: BS1

GeneDx
Classification: Uncertain significance. Last evaluated: 2025-07-28. Review status: criteria provided, single submitter. Criteria: GeneDx Variant Classification Process June 2021. Collection method: clinical testing. Allele origin: germline. Affected: yes.
Comment: Has not been previously published as pathogenic or benign to our knowledge; In silico analysis supports that this missense variant has a deleterious effect on protein structure/function

Ambry Genetics
Classification: Likely benign for Inborn genetic diseases. Last evaluated: 2022-02-22. Review status: criteria provided, single submitter. Criteria: Ambry Variant Classification Scheme 2023. Collection method: clinical testing. Allele origin: germline.